The following is an entry in ClinVar:

NM_000257.4(MYH7):c.2495T>C (p.Leu832Pro)

Genes: MYH7 (myosin heavy chain 7; minus strand), LOC126861898 (BRD4-independent group 4 enhancer GRCh37_chr14:23893609-23894808; plus strand). Cytogenetic location: 14q11.2.
Variant type: single nucleotide variant.
Coding change: c.2495T>C on transcript NM_000257.4 (MANE Select); coding-DNA position 2495, T replaced by C.
Protein change: p.Leu832Pro; replaces leucine 832 with proline.
Molecular consequence: missense variant.
Genome position (GRCh38, 1-based): chr14:23,424,953, A>G on the plus strand (T>C on the coding strand, the complement: MYH7 is on the minus strand). VCF-style: chr14-23424953-A-G. GRCh37 (hg19) VCF-style: chr14-23894162-A-G.
Other names: p.L832P:CTC>CCC; c.2495T>C (LRG_384t1); short protein forms L832P.
Identifiers: ClinVar variation 181191 (VCV000181191.4), dbSNP rs730880745, ClinGen allele CA012461.

ClinVar aggregate classification (germline): Conflicting classifications of pathogenicity. Review status: criteria provided, conflicting classifications (1 of 4 stars). 3 submissions from 3 submitters: Likely pathogenic (1); Uncertain significance (2). Last evaluated 2025-12-29.

Conditions:
Cardiovascular phenotype. Identifiers: MedGen CN230736.
Hypertrophic cardiomyopathy. Also called: HYPERTROPHIC MYOCARDIOPATHY. Identifiers: Orphanet 217569, MedGen C0007194, MeSH D002312, MONDO:0005045, HP:0001639.

Allele frequency attached by ClinVar (database versions not stated): gnomAD exomes below 0.00001.

Submissions (3):

Ambry Genetics
Classification: Uncertain significance for Cardiovascular phenotype. Last evaluated: 2025-12-29. Review status: criteria provided, single submitter. Criteria: Ambry Variant Classification Scheme 2023. Collection method: clinical testing. Allele origin: germline.
Comment: The p.L832P variant (also known as c.2495T>C), located in coding exon 20 of the MYH7 gene, results from a T to C substitution at nucleotide position 2495. The leucine at codon 832 is replaced by proline, an amino acid with similar properties. This variant was reported in individual(s) with features consistent with cardiomyopathy (Akinrinade O et al. J Cardiovasc Transl Res, 2023 Dec;16:1287-1302). This amino acid position is highly conserved in available vertebrate species. In addition, this alteration is predicted to be deleterious by in silico analysis. Based on the available evidence, the clinical significance of this variant remains unclear.

Labcorp Genetics (formerly Invitae), Labcorp
Classification: Uncertain significance for Hypertrophic cardiomyopathy. Last evaluated: 2025-11-04. Review status: criteria provided, single submitter. Criteria: Invitae Variant Classification Sherloc (09022015). Collection method: clinical testing. Allele origin: germline.
Comment: This sequence change replaces leucine, which is neutral and non-polar, with proline, which is neutral and non-polar, at codon 832 of the MYH7 protein (p.Leu832Pro). This variant is not present in population databases (gnomAD no frequency). This variant has not been reported in the literature in individuals affected with MYH7-related conditions. ClinVar contains an entry for this variant (Variation ID: 181191). Invitae Evidence Modeling of protein sequence and biophysical properties (such as structural, functional, and spatial information, amino acid conservation, physicochemical variation, residue mobility, and thermodynamic stability) indicates that this missense variant is expected to disrupt MYH7 protein function with a positive predictive value of 95%. In summary, the available evidence is currently insufficient to determine the role of this variant in disease. Therefore, it has been classified as a Variant of Uncertain Significance.

GeneDx
Classification: Likely pathogenic. Last evaluated: 2015-04-14. Review status: criteria provided, single submitter. Criteria: GeneDx Variant Classification (06012015). Collection method: clinical testing. Allele origin: germline. Affected: yes.
Comment: p.Leu832Pro (CTC>CCC): c.2495 T>C in exon 22 of the MYH7 gene (NM_000257.2). A L832P variant that is likely pathogenic was identified in the MYH7 gene. It has not been published as a mutation or as a benign polymorphism to our knowledge. The L832P variant was not observed in approximately 6,500 individuals of European and African American ancestry in the NHLBI Exome Sequencing Project, indicating it is not a common benign variant in these populations. The L832P variant is a semi-conservative amino acid substitution, which may impact secondary protein structure as these residues differ in some properties. This substitution occurs at a position that is conserved across species. In silico analysis predicts this variant is probably damaging to the protein structure/function. Missense mutations in nearby residues (W827C, P828S, L835T, P838L) have been reported in association with cardiomyopathy, supporting the functional importance of this region of the protein.Therefore, this variant is a strong candidate for a pathogenic mutation, however the possibility that it is a benign variant cannot be excluded. The variant is found in CARDIOMYOPATHY panel(s).

Literature cited by the submitters: PubMed 37477868 (cited by Ambry Genetics).